The following is an entry in ClinVar:

NM_001382430.1(AKT1):c.702+5G>A

Gene: AKT1 (AKT serine/threonine kinase 1; minus strand). Cytogenetic location: 14q32.33.
Variant type: single nucleotide variant.
Coding change: c.702+5G>A on transcript NM_001382430.1 (MANE Select); 5 bases into the intron after coding-DNA position 702, G replaced by A.
Molecular consequence: intron variant.
Genome position (GRCh38, 1-based): chr14:104,773,907, C>T on the plus strand (G>A on the coding strand, the complement: AKT1 is on the minus strand). VCF-style: chr14-104773907-C-T. GRCh37 (hg19) VCF-style: chr14-105240244-C-T.
Other names: c.702+5G>A (NM_001014431.2, NM_001014432.2, NM_001382433.1 and 3 more transcripts).
Identifiers: ClinVar variation 1976546 (VCV001976546.5), dbSNP rs1011405879, ClinGen allele CA616458030.

ClinVar aggregate classification (germline): Uncertain significance (1 of 4 stars; one submission).

Conditions:
Cowden syndrome 6 (CWS6). Identifiers: Orphanet 201, MedGen C3554519, MONDO:0014048, OMIM 615109.

Allele frequency attached by ClinVar (database versions not stated): gnomAD 0.00001.
gnomAD v4.1: 2 of 1,605,300 alleles (0.00012%); highest among the groups gnomAD compares: Admixed American, 0.0034%; no homozygotes.

Submission:

Labcorp Genetics (formerly Invitae), Labcorp
Classification: Uncertain significance for Cowden syndrome 6. Last evaluated: 2022-04-29. Review status: criteria provided, single submitter. Criteria: Invitae Variant Classification Sherloc (09022015). Collection method: clinical testing. Allele origin: germline.
Comment: The frequency data for this variant in the population databases is considered unreliable, as metrics indicate poor data quality at this position in the gnomAD database. This sequence change falls in intron 8 of the AKT1 gene. It does not directly change the encoded amino acid sequence of the AKT1 protein. It affects a nucleotide within the consensus splice site. This variant has not been reported in the literature in individuals affected with AKT1-related conditions. Variants that disrupt the consensus splice site are a relatively common cause of aberrant splicing (PMID: 17576681, 9536098). Algorithms developed to predict the effect of sequence changes on RNA splicing suggest that this variant is not likely to affect RNA splicing. In summary, the available evidence is currently insufficient to determine the role of this variant in disease. Therefore, it has been classified as a Variant of Uncertain Significance.

Literature cited by the submitters: PubMed 17576681; PubMed 9536098.